The following is an entry in ClinVar:

NM_004415.4(DSP):c.4954dup (p.Glu1652fs)

Gene: DSP (desmoplakin; plus strand). Cytogenetic location: 6p24.3.
Variant type: Duplication.
Coding change: c.4954dup on transcript NM_004415.4 (MANE Select); coding-DNA position 4954, one base duplicated (G; older notation c.4954dupG).
Protein change: p.Glu1652fs; shifts the reading frame from glutamic acid 1652.
Molecular consequence: frameshift variant. On other transcripts: intron variant (2).
Genome position (GRCh38, 1-based): chr6:7,581,144, G duplicated; the last of 2 consecutive G bases (chr6:7,581,143-7,581,144); duplicating either gives the same sequence. VCF-style (leftmost placement, unchanged base first): chr6-7581142-A-AG. GRCh37 (hg19) VCF-style: chr6-7581375-A-AG.
Other names: c.4954dupG (NM_004415.2); c.4050+904dup (NM_001319034.2); c.3582+1372dup (NM_001008844.3); short protein forms E1652fs.
Identifiers: ClinVar variation 2033292 (VCV002033292.8), dbSNP rs1581818649, ClinGen allele CA2580075399.

ClinVar aggregate classification (germline): Pathogenic/Likely pathogenic. Review status: criteria provided, multiple submitters, no conflicts (2 of 4 stars). 4 submissions from 4 submitters: Pathogenic (3); Likely pathogenic (1). Last evaluated 2026-09-01.

Conditions:
Arrhythmogenic cardiomyopathy with wooly hair and keratoderma. Also called: PALMOPLANTAR KERATODERMA WITH LEFT VENTRICULAR CARDIOMYOPATHY AND WOOLLY HAIR; Carvajal syndrome; Dilated cardiomyopathy with woolly hair and keratoderma; Arrhythmogenic cardiomyopathy with woolly hair and keratoderma. Identifiers: Orphanet 65282, MedGen C1854063, MONDO:0011581, OMIM 605676.
Arrhythmogenic right ventricular dysplasia 8 (ARVD8). Also called: Arrhythmogenic Right Ventricular Dysplasia/Cardiomyopathy 8; ARRHYTHMOGENIC RIGHT VENTRICULAR DYSPLASIA, FAMILIAL, 8; ARRHYTHMOGENIC RIGHT VENTRICULAR CARDIOMYOPATHY 8. Identifiers: MedGen C1843896, MONDO:0011831, OMIM 607450.
Cardiovascular phenotype. Identifiers: MedGen CN230736.
Cardiomyopathy (CMYO). Also called: Cardiomyopathies. Identifiers: Orphanet 167848, MedGen C0878544, MONDO:0004994, HP:0001638. Inheritance: Various modes of inheritance.

Submissions (4):

Ambry Genetics
Classification: Pathogenic for Cardiovascular phenotype. Last evaluated: 2026-09-01. Review status: criteria provided, single submitter. Criteria: Ambry Variant Classification Scheme 2023. Collection method: clinical testing. Allele origin: germline.
Comment: The c.4954dupG pathogenic mutation, located in coding exon 23 of the DSP gene, results from a duplication of G at nucleotide position 4954, causing a translational frameshift with a predicted alternate stop codon (p.E1652Gfs*9). This variant is considered to be rare based on population cohorts in the Genome Aggregation Database (gnomAD). This alteration is expected to result in loss of function by premature protein truncation or nonsense-mediated mRNA decay. As such, this alteration is interpreted as a disease-causing mutation.

Color Diagnostics, LLC DBA Color Health
Classification: Pathogenic for Cardiomyopathy. Last evaluated: 2023-07-17. Review status: criteria provided, single submitter. Criteria: ACMG Guidelines, 2015. Collection method: clinical testing. Allele origin: germline.
Comment: This variant causes a duplication of 1 nucleotide in exon 23 of the DSP gene, creating a frameshift and premature translation stop signal. This variant is expected to result in an absent or non-functional protein product. To our knowledge, this variant has not been reported in individuals affected with DSP-related disorders in the literature. This variant has not been identified in the general population by the Genome Aggregation Database (gnomAD). Loss of DSP function is a known mechanism of disease. Based on the available evidence, this variant is classified as Pathogenic.

All of Us Research Program, National Institutes of Health
Classification: Likely pathogenic for Arrhythmogenic cardiomyopathy with wooly hair and keratoderma. Last evaluated: 2023-05-03. Review status: criteria provided, single submitter. Criteria: ACMG Guidelines, 2015. Collection method: clinical testing. Allele origin: germline. Inheritance: Autosomal dominant inheritance. Observed: 1 variant allele, 1 heterozygote.
Comment: The c.4954dup (p.Glu1652Glyfs*9) variant in the DSP gene results in a frameshift and creates a premature translation stop codon. This change is predicted to result in an absent or disrupted protein product. Loss-of-function variants in DSP are known to be pathogenic (PMID: 20716751, 24503780, 25227139). This variant is absent in the general population according to gnomAD. For these reasons, the c.4954dup (p.Glu1652Glyfs*9) variant in the DSP gene has been classified as likely pathogenic.

This study involves interpretation of variants in research participants for the purpose of population health screening. Participant phenotype was not available at the time of variant classification. Additional details can be found in publication PMID: 35346344, PMCID: PMC8962531

Labcorp Genetics (formerly Invitae), Labcorp
Classification: Pathogenic for Arrhythmogenic cardiomyopathy with wooly hair and keratoderma; Arrhythmogenic right ventricular dysplasia 8. Last evaluated: 2022-11-01. Review status: criteria provided, single submitter. Criteria: Invitae Variant Classification Sherloc (09022015). Collection method: clinical testing. Allele origin: germline.
Comment: For these reasons, this variant has been classified as Pathogenic. This variant has not been reported in the literature in individuals affected with DSP-related conditions. This variant is not present in population databases (gnomAD no frequency). This sequence change creates a premature translational stop signal (p.Glu1652Glyfs*9) in the DSP gene. It is expected to result in an absent or disrupted protein product. Loss-of-function variants in DSP are known to be pathogenic (PMID: 20716751, 24503780, 25227139).

Literature cited by the submitters: PubMed 20716751 (cited by All of Us Research Program, National Institutes of Health and Labcorp Genetics (formerly Invitae), Labcorp); PubMed 24503780 (cited by All of Us Research Program, National Institutes of Health and Labcorp Genetics (formerly Invitae), Labcorp); PubMed 25227139 (cited by All of Us Research Program, National Institutes of Health and Labcorp Genetics (formerly Invitae), Labcorp).